The following is an entry in ClinVar:

NM_000277.3(PAH):c.1066-1G>A

Gene: PAH (phenylalanine hydroxylase; minus strand). Cytogenetic location: 12q23.2.
Variant type: single nucleotide variant.
Coding change: c.1066-1G>A on transcript NM_000277.3 (MANE Select); the canonical splice acceptor site of the intron before coding-DNA position 1066, G replaced by A.
Molecular consequence: splice acceptor variant.
Genome position (GRCh38, 1-based): chr12:102,843,780, C>T on the plus strand (G>A on the coding strand, the complement: PAH is on the minus strand). VCF-style: chr12-102843780-C-T. GRCh37 (hg19) VCF-style: chr12-103237558-C-T.
Other names: c.1066-1G>A (NM_001354304.2).
Identifiers: ClinVar variation 102509 (VCV000102509.12), dbSNP rs62508684, ClinGen allele CA229322.

ClinVar aggregate classification (germline): Pathogenic. Review status: reviewed by expert panel (3 of 4 stars). 4 submissions from 4 submitters: Pathogenic (1). 3 of the submissions do not count toward it. Last evaluated 2020-05-09.

Conditions:
Phenylketonuria (PKU). Also called: Phenylketonuria (PKU); FOLLING DISEASE; OLIGOPHRENIA PHENYLPYRUVICA; Phenylketonurias. Identifiers: Orphanet 716, MedGen C0031485, MONDO:0009861, OMIM 261600. Disease mechanism: loss of function.

Submissions (4):

ClinGen PAH Variant Curation Expert Panel
Classification: Pathogenic for Phenylketonuria. Last evaluated: 2020-05-09. Review status: reviewed by expert panel. Criteria: ClinGen PAH ACMG Specifications v1. Collection method: curation. Allele origin: germline. Inheritance: Autosomal recessive inheritance.
Comment: The PAH variant c.1066-1G>A (IVS10-1G>A) is a null variant (acceptor site) located in exon number 11 of the PAH gene. Loss of function in the PAH gene is a known mechanism of disease. Fifteen pathogenic null variants in exon 11 of the PAH gene have been reported. This variant is predicted to disrupt the reading frame by skipping exon 11, altering a region that is critical to protein function (27 pathogenic non-nonsense variants in exon 11 have been reported). The mRNA transcript is predicted to undergo NMD. According to TraP in silico splicing prediction, this alteration is probably damaging (TraP score 0.559). HSF (-35.29 variation) and MaxEnt (-276.58 variation) agree that this alteration of the WT acceptor site most probably affects splicing by breaking the splicing site. BH4 deficiency was excluded by analysis of urinary pterins and dihydropteridine reductase activity in erythrocytes (PMID: 26322415). This variant is absent from the gnomAD, ExAC, 1000 Genomes, and ESP population databases. In summary, this variant meets the criteria to be classified as pathogenic. PAH-specific ACMG/AMP criteria applied: PM2, PP4_Moderate, and PVS1.

Myriad Genetics, Inc.
Classification: Likely pathogenic for Phenylketonuria. Last evaluated: 2026-02-12. Review status: criteria provided, single submitter. Criteria: Myriad Autosomal Dominant, Autosomal Recessive and X-Linked Classification Criteria (2023). Collection method: clinical testing. Allele origin: unknown. Not counted in ClinVar's aggregate classification.
Comment: NM_000277.1(PAH):c.1066-1G>A is a variant in a canonical splice site classified as likely pathogenic in the context of phenylalanine hydroxylase deficiency. c.1066-1G>A has been observed in a case with relevant disease (PMID: 26322415). Relevant functional assessments of this variant are not available in the literature. c.1066-1G>A has not been observed in referenced population frequency databases. In summary, NM_000277.1(PAH):c.1066-1G>A is a variant in a canonical splice site in a gene where loss of function is a known mechanism of disease, is predicted to disrupt protein function, and has been observed more frequently in cases with the relevant disease than in healthy populations. Please note: this variant was assessed in the context of healthy population screening.

Labcorp Genetics (formerly Invitae), Labcorp
Classification: Pathogenic for Phenylketonuria. Last evaluated: 2019-07-31. Review status: criteria provided, single submitter. Criteria: Invitae Variant Classification Sherloc (09022015). Collection method: clinical testing. Allele origin: germline. Not counted in ClinVar's aggregate classification.
Comment: For these reasons, this variant has been classified as Pathogenic. Donor and acceptor splice site variants typically lead to a loss of protein function (PMID: 16199547), and loss-of-function variants in PAH are known to be pathogenic (PMID: 1301187, 9634518). Algorithms developed to predict the effect of sequence changes on RNA splicing suggest that this variant may disrupt the consensus splice site, but this prediction has not been confirmed by published transcriptional studies. This variant has been observed in individuals affected with phenylketonuria (PMID: 9634518, 12655550, 26322415). This variant is also known as IVS10nt-1G>A and IVS10+1G>A in the literature. ClinVar contains an entry for this variant (Variation ID: 102509). This variant is not present in population databases (ExAC no frequency). This sequence change affects an acceptor splice site in intron 10 of the PAH gene. It is expected to disrupt RNA splicing and likely results in an absent or disrupted protein product.

DeBelle Laboratory for Biochemical Genetics, MUHC/MCH RESEARCH INSTITUTE
No classification provided. Review status: no classification provided. Collection method: not provided. Allele origin: not provided. Not counted in ClinVar's aggregate classification.

Literature cited by the submitters: PubMed 26322415 (cited by 3 submitters); PubMed 26503515 (cited by ClinGen PAH Variant Curation Expert Panel); PubMed 16199547 (cited by Labcorp Genetics (formerly Invitae), Labcorp); PubMed 1301187 (cited by Labcorp Genetics (formerly Invitae), Labcorp); PubMed 9634518 (cited by Labcorp Genetics (formerly Invitae), Labcorp); PubMed 12655550 (cited by Labcorp Genetics (formerly Invitae), Labcorp).